The following is an entry in ClinVar:

ClinVar aggregate classification (germline): Likely benign. Review status: criteria provided, multiple submitters, no conflicts (2 of 4 stars). 2 submissions from 2 submitters: Likely benign (2). Last evaluated 2025-11-18.

Conditions:
COL13A1-related disorder. Also called: COL13A1-related condition.

Allele frequency attached by ClinVar (database versions not stated): ExAC 0.00004; gnomAD exomes 0.00004; gnomAD 0.00005; TOPMed 0.00006.
gnomAD v4.1: 61 of 1,612,484 alleles (0.0038%); highest among the groups gnomAD compares: African/African-American, 0.02%; no homozygotes.

Submissions (2):

Labcorp Genetics (formerly Invitae), Labcorp
Classification: Likely benign. Last evaluated: 2025-11-18. Review status: criteria provided, single submitter. Criteria: Invitae Variant Classification Sherloc (09022015). Collection method: clinical testing. Allele origin: germline.

PreventionGenetics, part of Exact Sciences
Classification: Likely benign for COL13A1-related condition. Last evaluated: 2025-05-09. Review status: criteria provided, single submitter. Criteria: ACMG Guidelines, 2015. Collection method: clinical testing. Allele origin: germline.
Comment: This variant is classified as likely benign based on ACMG/AMP sequence variant interpretation guidelines (Richards et al. 2015 PMID: 25741868, with internal and published modifications).

NM_001368882.1(COL13A1):c.972G>A (p.Ala324=)

Gene: COL13A1 (collagen type XIII alpha 1 chain; plus strand). Cytogenetic location: 10q22.1.
Variant type: single nucleotide variant.
Coding change: c.972G>A on transcript NM_001368882.1 (MANE Select); coding-DNA position 972, G replaced by A.
Protein change: p.Ala324=; no amino-acid change (alanine 324 retained).
Molecular consequence: synonymous variant.
Genome position (GRCh38, 1-based): chr10:69,918,290, G>A. VCF-style: chr10-69918290-G-A. GRCh37 (hg19) VCF-style: chr10-71678046-G-A.
Other names: c.1002G>A, p.Ala334= (NM_001130103.2); c.972G>A, p.Ala324= (NM_001320951.2, NM_001368884.1); c.936G>A, p.Ala312= (NM_001368883.1, NM_001368885.1, NM_080801.4 and 1 more transcripts); c.372G>A, p.Ala124= (NM_001368886.1); c.882G>A, p.Ala294= (NM_001368895.1); c.831G>A, p.Ala277= (NM_001368896.1, NM_001368898.1, NM_080798.4); c.858G>A, p.Ala286= (NM_001368897.1); c.945G>A, p.Ala315= (NM_080800.4); and 1 more.
Identifiers: ClinVar variation 760833 (VCV000760833.8), dbSNP rs763678738, ClinGen allele CA5534547.